The following is an entry in ClinVar:

ClinVar aggregate classification (germline): Uncertain significance. Review status: criteria provided, multiple submitters, no conflicts (2 of 4 stars). 3 submissions from 3 submitters: Uncertain significance (3). Last evaluated 2025-05-01.

Conditions:
Inborn genetic diseases. Identifiers: MedGen C0950123, MeSH D030342.

Allele frequency attached by ClinVar (database versions not stated): gnomAD exomes 0.00002; ExAC 0.00007; ESP Exome Variant Server 0.00008; gnomAD 0.00018; TOPMed 0.00019.
gnomAD v4.1: 57 of 1,613,746 alleles (0.0035%); highest among the groups gnomAD compares: African/African-American, 0.059%; no homozygotes.

Submissions (3):

GeneDx
Classification: Uncertain significance. Last evaluated: 2025-05-01. Review status: criteria provided, single submitter. Criteria: GeneDx Variant Classification Process June 2021. Collection method: clinical testing. Allele origin: germline. Affected: yes.
Comment: In silico analysis supports that this missense variant has a deleterious effect on protein structure/function; Has not been previously published as pathogenic or benign to our knowledge

Ambry Genetics
Classification: Uncertain significance for Inborn genetic diseases. Last evaluated: 2024-10-06. Review status: criteria provided, single submitter. Criteria: Ambry Variant Classification Scheme 2023. Collection method: clinical testing. Allele origin: germline.

Labcorp Genetics (formerly Invitae), Labcorp
Classification: Uncertain significance. Last evaluated: 2022-07-27. Review status: criteria provided, single submitter. Criteria: Invitae Variant Classification Sherloc (09022015). Collection method: clinical testing. Allele origin: germline.
Comment: This sequence change replaces arginine, which is basic and polar, with tryptophan, which is neutral and slightly polar, at codon 85 of the SLC27A4 protein (p.Arg85Trp). This variant is present in population databases (rs150462602, gnomAD 0.06%). This variant has not been reported in the literature in individuals affected with SLC27A4-related conditions. Algorithms developed to predict the effect of missense changes on protein structure and function are either unavailable or do not agree on the potential impact of this missense change (SIFT: "Deleterious"; PolyPhen-2: "Possibly Damaging"; Align-GVGD: "Class C0"). In summary, the available evidence is currently insufficient to determine the role of this variant in disease. Therefore, it has been classified as a Variant of Uncertain Significance.

NM_005094.4(SLC27A4):c.253C>T (p.Arg85Trp)

Gene: SLC27A4 (solute carrier family 27 member 4; plus strand). Cytogenetic location: 9q34.11.
Variant type: single nucleotide variant.
Coding change: c.253C>T on transcript NM_005094.4 (MANE Select); coding-DNA position 253, C replaced by T.
Protein change: p.Arg85Trp; replaces arginine 85 with tryptophan.
Molecular consequence: missense variant.
Genome position (GRCh38, 1-based): chr9:128,345,246, C>T. VCF-style: chr9-128345246-C-T. GRCh37 (hg19) VCF-style: chr9-131107525-C-T.
Other names: c.253C>T (NM_005094.3); short protein forms R85W.
Identifiers: ClinVar variation 2061118 (VCV002061118.3), dbSNP rs150462602, ClinGen allele CA5260882.